The following is an entry in ClinVar:

NM_024675.4(PALB2):c.834A>T (p.Leu278=)

Gene: PALB2 (partner and localizer of BRCA2; minus strand). Cytogenetic location: 16p12.2.
Variant type: single nucleotide variant.
Coding change: c.834A>T on transcript NM_024675.4 (MANE Select); coding-DNA position 834, A replaced by T.
Protein change: p.Leu278=; no amino-acid change (leucine 278 retained).
Molecular consequence: synonymous variant.
Genome position (GRCh38, 1-based): chr16:23,635,712, T>A on the plus strand (A>T on the coding strand, the complement: PALB2 is on the minus strand). VCF-style: chr16-23635712-T-A. GRCh37 (hg19) VCF-style: chr16-23647033-T-A.
Identifiers: ClinVar variation 822318 (VCV000822318.32), dbSNP rs199919863, ClinGen allele CA7963754.

ClinVar aggregate classification (germline): Likely benign. Review status: criteria provided, multiple submitters, no conflicts (2 of 4 stars). 5 submissions from 5 submitters: Likely benign (5). Last evaluated 2026-01-01.

Conditions:
Hereditary cancer-predisposing syndrome. Also called: Tumor predisposition; Hereditary neoplastic syndrome; Neoplastic Syndromes, Hereditary; Hereditary Cancer Syndrome. Identifiers: Orphanet 140162, MedGen C0027672, MeSH D009386, MONDO:0015356.

Allele frequency attached by ClinVar (database versions not stated): gnomAD 0.00001 and 0.00004; TOPMed 0.00001; gnomAD exomes 0.00006; ExAC 0.00007; 1000 Genomes Project 0.00040; 1000 Genomes Project 30x 0.00047.
gnomAD v4.1: 46 of 1,614,204 alleles (0.0028%); highest among the groups gnomAD compares: South Asian, 0.024%; no homozygotes.

Submissions (5):

CeGaT Center for Human Genetics Tuebingen
Classification: Likely benign. Last evaluated: 2026-01-01. Review status: criteria provided, single submitter. Criteria: CeGaT Center For Human Genetics Tuebingen Variant Classification Criteria Version 2. Collection method: clinical testing. Allele origin: germline. Affected: yes. Observed: 4 variant alleles.
Comment: PALB2: BP4, BP7

Institute for Biomarker Research, Medical Diagnostic Laboratories, L.L.C.
Classification: Likely benign for Hereditary cancer-predisposing syndrome. Last evaluated: 2023-10-10. Review status: criteria provided, single submitter. Criteria: ACMG Guidelines, 2015. Collection method: clinical testing. Allele origin: germline.

Blueprint Genetics
Classification: Likely benign. Last evaluated: 2023-08-24. Review status: criteria provided, single submitter. Criteria: ACMG Guidelines, 2015. Collection method: clinical testing. Allele origin: germline.

Sema4
Classification: Likely benign for Hereditary cancer-predisposing syndrome. Last evaluated: 2021-08-25. Review status: criteria provided, single submitter. Criteria: Sema4 Curation Guidelines. Collection method: curation. Allele origin: germline.

Ambry Genetics
Classification: Likely benign for Hereditary cancer-predisposing syndrome. Last evaluated: 2017-12-28. Review status: criteria provided, single submitter. Criteria: Ambry Variant Classification Scheme 2023. Collection method: clinical testing. Allele origin: germline.

Literature cited by the submitters: PubMed 33471991 (cited by Sema4).